The following is an entry in ClinVar:

NC_000007.13:g.(?_117227773)_(117232731_?)del

Gene: CFTR (CF transmembrane conductance regulator; plus strand). Cytogenetic location: 7q31.2.
Variant type: Deletion.
Identifiers: ClinVar variation 3245673 (VCV003245673.1).

ClinVar aggregate classification (germline): Pathogenic (1 of 4 stars; one submission).

Conditions:
Cystic fibrosis (CF). Also called: MUCOVISCIDOSIS. Identifiers: Orphanet 586, MedGen C0010674, MONDO:0009061, OMIM 219700. Disease mechanism: loss of function.

Submission:

Labcorp Genetics (formerly Invitae), Labcorp
Classification: Pathogenic for Cystic fibrosis. Last evaluated: 2023-05-28. Review status: criteria provided, single submitter. Criteria: Invitae Variant Classification Sherloc (09022015). Collection method: clinical testing. Allele origin: unknown.
Comment: For these reasons, this variant has been classified as Pathogenic. This variant disrupts a region of the CFTR protein in which other variant(s) (p.Ser549Arg) have been determined to be pathogenic (PMID: 1712898, 10923036, 11005149, 16840743, 23082198, 23974870). This suggests that this is a clinically significant region of the protein, and that variants that disrupt it are likely to be disease-causing. This variant has not been reported in the literature in individuals affected with CFTR-related conditions. This variant is a gross deletion of the genomic region encompassing exon(s) 12-14 of the CFTR gene. This variant would be expected to be in-frame, preserving the integrity of the reading frame.

Literature cited by the submitters: PubMed 1712898; PubMed 10923036; PubMed 11005149; PubMed 16840743; PubMed 23082198; PubMed 23974870.